The following is an entry in ClinVar:

NM_017838.4(NHP2):c.182G>A (p.Arg61Gln)

Gene: NHP2 (NHP2 ribonucleoprotein; minus strand). Cytogenetic location: 5q35.3.
Variant type: single nucleotide variant.
Coding change: c.182G>A on transcript NM_017838.4 (MANE Select); coding-DNA position 182, G replaced by A.
Protein change: p.Arg61Gln; replaces arginine 61 with glutamine.
Molecular consequence: missense variant.
Genome position (GRCh38, 1-based): chr5:178,153,539, C>T on the plus strand (G>A on the coding strand, the complement: NHP2 is on the minus strand). VCF-style: chr5-178153539-C-T. GRCh37 (hg19) VCF-style: chr5-177580540-C-T.
Other names: c.182G>A, p.Arg61Gln (NM_001034833.2); short protein forms R61Q.
Identifiers: ClinVar variation 844281 (VCV000844281.9), dbSNP rs769920343, ClinGen allele CA3589231.
Genomic context (GRCh38, chr5:178,153,539, plus strand): 5'-GAAGGTTCTTACCCTTTTTCTCCTTTGTTGACAAATTTCTGAACCTCTTTCACCCCGCGC[C>T]GAATCTGCTTCTGCTTCACCGCTGCAACGACAGAAGAGTCGGTCGGGGGCCTCGCTCAGC-3'
Protein context (NP_060308.1, residues 51-71): IKKAVKQKQI[Arg61Gln]RGVKEVQKFV

ClinVar aggregate classification (germline): Uncertain significance. Review status: criteria provided, multiple submitters, no conflicts (2 of 4 stars). 2 submissions from 2 submitters: Uncertain significance (2). Last evaluated 2025-09-02.

Conditions:
Dyskeratosis congenita. Identifiers: Orphanet 1775, MedGen C0265965, MONDO:0015780.

Allele frequency attached by ClinVar (database versions not stated): gnomAD exomes below 0.00001; gnomAD 0.00001; ExAC 0.00002; TOPMed 0.00002.
gnomAD v4.1: 15 of 1,614,074 alleles (0.00093%); highest among the groups gnomAD compares: Admixed American, 0.005%; no homozygotes.

Submissions (2):

Labcorp Genetics (formerly Invitae), Labcorp
Classification: Uncertain significance for Dyskeratosis congenita. Last evaluated: 2025-09-02. Review status: criteria provided, single submitter. Criteria: Invitae Variant Classification Sherloc (09022015). Collection method: clinical testing. Allele origin: germline.
Comment: This sequence change replaces arginine, which is basic and polar, with glutamine, which is neutral and polar, at codon 61 of the NHP2 protein (p.Arg61Gln). This variant is present in population databases (rs769920343, gnomAD 0.0009%). This variant has not been reported in the literature in individuals affected with NHP2-related conditions. ClinVar contains an entry for this variant (Variation ID: 844281). An algorithm developed to predict the effect of missense changes on protein structure and function (PolyPhen-2) suggests that this variant is likely to be tolerated. In summary, the available evidence is currently insufficient to determine the role of this variant in disease. Therefore, it has been classified as a Variant of Uncertain Significance.

Blueprint Genetics
Classification: Uncertain significance. Last evaluated: 2022-03-30. Review status: criteria provided, single submitter. Criteria: ACMG Guidelines, 2015. Collection method: clinical testing. Allele origin: germline.